The following is an entry in ClinVar:

ClinVar aggregate classification (germline): Pathogenic (1 of 4 stars; one submission).

Conditions:
Retinitis pigmentosa 12 (RP12). Also called: RP WITH OR WITHOUT PPRPE; RP WITH OR WITHOUT PRESERVED PARAARTERIOLE RETINAL PIGMENT EPITHELIUM; RETINITIS PIGMENTOSA WITH OR WITHOUT PARAARTERIOLAR PRESERVATION OF RETINAL PIGMENT EPITHELIUM. Identifiers: Orphanet 791, MedGen C1838647, MONDO:0010818, OMIM 600105.
Leber congenital amaurosis 8 (LCA8). Identifiers: Orphanet 65, MedGen C3151202, MONDO:0013453, OMIM 613835.

Submission:

Labcorp Genetics (formerly Invitae), Labcorp
Classification: Pathogenic for Leber congenital amaurosis 8; Retinitis pigmentosa 12. Last evaluated: 2023-10-08. Review status: criteria provided, single submitter. Criteria: Invitae Variant Classification Sherloc (09022015). Collection method: clinical testing. Allele origin: germline.
Comment: This sequence change creates a premature translational stop signal (p.Cys190*) in the CRB1 gene. It is expected to result in an absent or disrupted protein product. Loss-of-function variants in CRB1 are known to be pathogenic (PMID: 10508521, 22065545, 23379534, 25412400, 26957898, 28041643, 29391521). This variant is not present in population databases (gnomAD no frequency). This variant has not been reported in the literature in individuals affected with CRB1-related conditions. For these reasons, this variant has been classified as Pathogenic.

Literature cited by the submitters: PubMed 10508521; PubMed 22065545; PubMed 23379534; PubMed 25412400; PubMed 26957898; PubMed 28041643; PubMed 29391521.

NM_201253.3(CRB1):c.570T>A (p.Cys190Ter)

Gene: CRB1 (crumbs cell polarity complex component 1; plus strand). Cytogenetic location: 1q31.3.
Variant type: single nucleotide variant.
Coding change: c.570T>A on transcript NM_201253.3 (MANE Select); coding-DNA position 570, T replaced by A.
Protein change: p.Cys190Ter; replaces cysteine 190 with a stop codon.
Molecular consequence: nonsense. On other transcripts: non-coding transcript variant (2).
Genome position (GRCh38, 1-based): chr1:197,328,921, T>A. VCF-style: chr1-197328921-T-A. GRCh37 (hg19) VCF-style: chr1-197298051-T-A.
Other names: c.570T>A, p.Cys190Ter (NM_001193640.2, NM_001257966.2); c.363T>A, p.Cys121Ter (NM_001257965.2); short protein forms C190*, C121*.
Identifiers: ClinVar variation 2952686 (VCV002952686.3), dbSNP rs2465032365, ClinGen allele CA344081579.